The following is an entry in ClinVar:

ClinVar aggregate classification (germline): Conflicting classifications of pathogenicity. Review status: criteria provided, conflicting classifications (1 of 4 stars). 11 submissions from 11 submitters: Uncertain significance (7); Likely benign (2). 2 of the submissions do not count toward it. Last evaluated 2026-08-10.

Conditions:
BRCA1-related disorder. Also called: BRCA1-related condition.
Hereditary cancer-predisposing syndrome. Also called: Tumor predisposition; Neoplastic Syndromes, Hereditary; Hereditary Cancer Syndrome; Hereditary neoplastic syndrome. Identifiers: Orphanet 140162, MedGen C0027672, MeSH D009386, MONDO:0015356.
Hereditary breast ovarian cancer syndrome. Also called: Hereditary breast and ovarian cancer syndrome (HBOC); Hereditary breast and ovarian cancer syndrome; Hereditary breast and ovarian cancer; Hereditary breast and/or ovarian cancer syndrome; Breast and ovarian cancer; BRCA1- and BRCA2-Associated Hereditary Breast and Ovarian Cancer. Identifiers: Orphanet 145, MedGen C0677776, MeSH D061325, MONDO:0003582. Disease mechanism: loss of function.
Breast-ovarian cancer, familial, susceptibility to, 1 (BROVCA1). Also called: OVARIAN CANCER, SUSCEPTIBILITY TO; BRCA1 Hereditary Breast and Ovarian Cancer. Identifiers: Orphanet 145, MedGen C2676676, MONDO:0011450, OMIM 604370. Disease mechanism: loss of function.

Allele frequency attached by ClinVar (database versions not stated): gnomAD exomes below 0.00001 and 0.00001; TOPMed below 0.00001; ExAC 0.00001; gnomAD 0.00001; 1000 Genomes Project 30x 0.00016; 1000 Genomes Project 0.00020.
gnomAD v4.1: 4 of 1,613,924 alleles (0.00025%); highest among the groups gnomAD compares: African/African-American, 0.004%; no homozygotes.

Submissions (11):

PreventionGenetics, part of Exact Sciences
Classification: Uncertain significance for BRCA1-related condition. Last evaluated: 2026-08-10. Review status: criteria provided, single submitter. Criteria: ACMG Guidelines, 2015. Collection method: clinical testing. Allele origin: germline.
Comment: The BRCA1 c.3220A>G variant is predicted to result in the amino acid substitution p.Arg1074Gly. This variant has been reported in a cohort of individuals from hereditary breast/ovarian cancer families (Judkins et al. 2005. PubMed ID: 16267036). This variant occurs within a region of the BRCA1 gene that is predicted to be tolerant to missense variation (Table 2, Dines et al. 2020. PubMed ID: 31911673). This variant is reported in 0.012% of alleles in individuals of African descent in gnomAD. In ClinVar, this variant has conflicting interpretations of likely benign and uncertain significance (Variation ID: 54800). Although we suspect that this variant may be benign, the clinical significance of this variant is classified as uncertain at this time due to insufficient functional and genetic evidence.

Ambry Genetics
Classification: Uncertain significance for Hereditary cancer-predisposing syndrome. Last evaluated: 2025-04-23. Review status: criteria provided, single submitter. Criteria: Ambry Variant Classification Scheme 2023. Collection method: clinical testing. Allele origin: germline.
Comment: The p.R1074G variant (also known as c.3220A>G), located in coding exon 9 of the BRCA1 gene, results from an A to G substitution at nucleotide position 3220. The arginine at codon 1074 is replaced by glycine, an amino acid with dissimilar properties. This amino acid position is not well conserved in available vertebrate species. In addition, the in silico prediction for this alteration is inconclusive. Based on the available evidence, the clinical significance of this variant remains unclear.

Labcorp Genetics (formerly Invitae), Labcorp
Classification: Likely benign for Hereditary breast ovarian cancer syndrome. Last evaluated: 2025-01-11. Review status: criteria provided, single submitter. Criteria: Invitae Variant Classification Sherloc (09022015). Collection method: clinical testing. Allele origin: germline.

GeneDx
Classification: Uncertain significance. Last evaluated: 2024-03-25. Review status: criteria provided, single submitter. Criteria: GeneDx Variant Classification Process June 2021. Collection method: clinical testing. Allele origin: germline. Affected: yes.
Comment: Not observed at significant frequency in large population cohorts (gnomAD); In silico analysis supports that this missense variant has a deleterious effect on protein structure/function; Also known as 3339A>G; This variant is associated with the following publications: (PMID: 15001988, 16518693, 16267036, 12531920, 15343273, 31131967, 33087888)

All of Us Research Program, National Institutes of Health
Classification: Uncertain significance for Breast-ovarian cancer, familial, susceptibility to, 1. Last evaluated: 2023-10-06. Review status: criteria provided, single submitter. Criteria: ACMG Guidelines, 2015. Collection method: clinical testing. Allele origin: germline. Inheritance: Autosomal dominant inheritance. Observed: 1 variant allele, 1 heterozygote.
Comment: This missense variant replaces arginine with glycine at codon 1074 of the BRCA1 protein. Computational prediction suggests that this variant may not impact protein structure and function (internally defined REVEL score threshold <= 0.5, PMID: 27666373). To our knowledge, functional studies have not been reported for this variant. This variant has been reported in individuals who underwent hereditary cancer testing (PMID: 16267036, 33875564) and found to have a family history likelihood ratio for pathogenicity of 0.2793 (PMID: 31131967). This variant has been identified in 3/281800 chromosomes in the general population by the Genome Aggregation Database (gnomAD). The available evidence is insufficient to determine the role of this variant in disease conclusively. Therefore, this variant is classified as a Variant of Uncertain Significance.

This study involves interpretation of variants in research participants for the purpose of population health screening. Participant phenotype was not available at the time of variant classification. Additional details can be found in publication PMID: 35346344, PMCID: PMC8962531

Color Diagnostics, LLC DBA Color Health
Classification: Uncertain significance for Hereditary cancer-predisposing syndrome. Last evaluated: 2023-09-21. Review status: criteria provided, single submitter. Criteria: ACMG Guidelines, 2015. Collection method: clinical testing. Allele origin: germline.
Comment: This missense variant replaces arginine with glycine at codon 1074 of the BRCA1 protein. Computational prediction suggests that this variant may not impact protein structure and function (internally defined REVEL score threshold <= 0.5, PMID: 27666373). To our knowledge, functional studies have not been reported for this variant. This variant has been reported in individuals who underwent hereditary cancer testing (PMID: 16267036, 33875564) and found to have a family history likelihood ratio for pathogenicity of 0.2793 (PMID: 31131967). This variant has been identified in 3/281800 chromosomes in the general population by the Genome Aggregation Database (gnomAD). The available evidence is insufficient to determine the role of this variant in disease conclusively. Therefore, this variant is classified as a Variant of Uncertain Significance.

Quest Diagnostics Nichols Institute San Juan Capistrano
Classification: Uncertain significance. Last evaluated: 2023-08-23. Review status: criteria provided, single submitter. Criteria: Quest Diagnostics criteria. Collection method: clinical testing. Allele origin: unknown.
Comment: In the published literature, this variant has been reported in a cohort of at-risk or affected individuals with breast cancer (PMID: 16267036 (2005)). A large scale multifactorial study described the variant as being likely benign (PMID: 31131967 (2019)). The frequency of this variant in the general population, 0.00012 (3/24964 chromosomes (Genome Aggregation Database)), is uninformative in the assessment of its pathogenicity. Analysis of this variant using bioinformatics tools for the prediction of the effect of amino acid changes on protein structure and function yielded predictions that this variant is benign. Based on the available information, we are unable to determine the clinical significance of this variant.

University of Washington Department of Laboratory Medicine, University of Washington
Classification: Likely benign for Hereditary cancer-predisposing syndrome. Last evaluated: 2023-03-23. Review status: criteria provided, single submitter. Criteria: Dines et al. (Genet Med. 2020). Collection method: curation. Allele origin: germline.
Comment: Missense variant in a coldspot region where missense variants are very unlikely to be pathogenic (PMID:31911673).

BRCA1 coldspot (exon 11 using historical exon numbering). Reclassification based on statistical prior probability

Department of Pathology and Molecular Medicine, Queen's University
Classification: Uncertain significance. Last evaluated: 2017-04-20. Review status: criteria provided, single submitter. Criteria: ACMG Guidelines, 2015. Collection method: clinical testing. Allele origin: germline. Study: The Canadian Open Genetics Repository (COGR).

Department of Medical and Surgical Sciences, University of Bologna
Classification: Likely benign for Breast-ovarian cancer, familial, susceptibility to, 1. Last evaluated: 2023-09-01. Review status: no assertion criteria provided. Collection method: clinical testing. Allele origin: germline. Affected: yes. Not counted in ClinVar's aggregate classification.
Comment: BS1(Supporting)+BP1(Strong)+BP5(Supporting) according to ACMG/AMP classification guidelines specified for BRCA1 & BRCA2 (Classification Criteria V1.0.0 2023-09-08) (PMID: 38160042)

Breast Cancer Information Core (BIC) (BRCA1)
Classification: Uncertain significance for Breast-ovarian cancer, familial 1. Last evaluated: 1997-02-15. Review status: no assertion criteria provided. Collection method: clinical testing. Allele origin: germline. Affected: yes. Observed: 2 variant alleles. Not counted in ClinVar's aggregate classification.

Literature cited by the submitters: PubMed 16267036 (cited by 3 submitters); PubMed 31131967 (cited by 3 submitters); PubMed 33875564 (cited by All of Us Research Program, National Institutes of Health and Color Diagnostics, LLC DBA Color Health); PubMed 31911673 (cited by Quest Diagnostics Nichols Institute San Juan Capistrano); PubMed 16518693 (cited by Quest Diagnostics Nichols Institute San Juan Capistrano); PubMed 33087888 (cited by Quest Diagnostics Nichols Institute San Juan Capistrano); PubMed 30702160 (cited by Quest Diagnostics Nichols Institute San Juan Capistrano).

NM_007294.4(BRCA1):c.3220A>G (p.Arg1074Gly)

Genes: BRCA1 (BRCA1 DNA repair associated; minus strand), LOC126862571 (BRD4-independent group 4 enhancer GRCh37_chr17:41243136-41244335; plus strand). Cytogenetic location: 17q21.31.
Variant type: single nucleotide variant.
Coding change: c.3220A>G on transcript NM_007294.4 (MANE Select); coding-DNA position 3220, A replaced by G.
Protein change: p.Arg1074Gly; replaces arginine 1074 with glycine.
Molecular consequence: missense variant. On other transcripts: intron variant (137).
Genome position (GRCh38, 1-based): chr17:43,092,311, T>C on the plus strand (A>G on the coding strand, the complement: BRCA1 is on the minus strand). VCF-style: chr17-43092311-T-C. GRCh37 (hg19) VCF-style: chr17-41244328-T-C.
Other names: c.3007A>G, p.Arg1003Gly (NM_001407571.1, NM_001407853.1, NM_001407894.1 and 9 more transcripts); c.3220A>G, p.Arg1074Gly (NM_001407581.1, NM_001407582.1, NM_001407583.1 and 30 more transcripts); c.3217A>G, p.Arg1073Gly (NM_001407587.1, NM_001407590.1, NM_001407591.1 and 22 more transcripts); c.3211A>G, p.Arg1071Gly (NM_001407646.1, NM_001407647.1); c.3097A>G, p.Arg1033Gly (NM_001407648.1, NM_001407664.1, NM_001407665.1 and 19 more transcripts); c.3094A>G, p.Arg1032Gly (NM_001407649.1, NM_001407670.1, NM_001407671.1 and 11 more transcripts); c.3142A>G, p.Arg1048Gly (NM_001407653.1, NM_001407654.1, NM_001407655.1 and 4 more transcripts); c.3139A>G, p.Arg1047Gly (NM_001407659.1, NM_001407660.1, NM_001407661.1 and 1 more transcripts); and 41 more; short protein forms R1074G, R1027G, R1003G, R1047G, R1073G, R906G, R962G, R985G.
Identifiers: ClinVar variation 54800 (VCV000054800.29), dbSNP rs80357263, ClinGen allele CA002086.